The following is an entry in ClinVar:

NM_001098.3(ACO2):c.1559del (p.Lys520fs)

Gene: ACO2 (aconitase 2; plus strand). Cytogenetic location: 22q13.2.
Variant type: Deletion.
Coding change: c.1559del on transcript NM_001098.3 (MANE Select); coding-DNA position 1559, one base deleted (A; older notation c.1559delA).
Protein change: p.Lys520fs; shifts the reading frame from lysine 520.
Molecular consequence: frameshift variant.
Genome position (GRCh38, 1-based): chr22:41,524,922, A deleted; the last of 2 consecutive A bases (chr22:41,524,921-41,524,922); deleting either gives the same sequence. VCF-style (leftmost placement, unchanged base first): chr22-41524920-CA-C. GRCh37 (hg19) VCF-style: chr22-41920924-CA-C.
Other names: short protein forms K520fs.
Identifiers: ClinVar variation 1395187 (VCV001395187.7), dbSNP rs1252879915, ClinGen allele CA639826573.

ClinVar aggregate classification (germline): Pathogenic/Likely pathogenic. Review status: criteria provided, multiple submitters, no conflicts (2 of 4 stars). 2 submissions from 2 submitters: Pathogenic (1); Likely pathogenic (1). Last evaluated 2025-09-06.

Conditions:
ACO2-related disorder. Also called: ACO2-Related Disorders.

Submissions (2):

Labcorp Genetics (formerly Invitae), Labcorp
Classification: Pathogenic. Last evaluated: 2025-09-06. Review status: criteria provided, single submitter. Criteria: Invitae Variant Classification Sherloc (09022015). Collection method: clinical testing. Allele origin: germline.
Comment: This sequence change creates a premature translational stop signal (p.Lys520Argfs*39) in the ACO2 gene. It is expected to result in an absent or disrupted protein product. Loss-of-function variants in ACO2 are known to be pathogenic (PMID: 30689204, 32519519). This variant is present in population databases (no rsID available, gnomAD 0.01%). This variant has not been reported in the literature in individuals affected with ACO2-related conditions. ClinVar contains an entry for this variant (Variation ID: 1395187). For these reasons, this variant has been classified as Pathogenic.

Blueprint Genetics
Classification: Likely pathogenic for ACO2-related disorders. Last evaluated: 2022-08-19. Review status: criteria provided, single submitter. Criteria: ACMG Guidelines, 2015. Collection method: clinical testing. Allele origin: germline. Affected: yes. Observed: 5 variant alleles.

Literature cited by the submitters: PubMed 30689204 (cited by Labcorp Genetics (formerly Invitae), Labcorp); PubMed 32519519 (cited by Labcorp Genetics (formerly Invitae), Labcorp).